The following is an entry in ClinVar:

NM_004836.7(EIF2AK3):c.1756A>T (p.Ile586Leu)

Gene: EIF2AK3 (eukaryotic translation initiation factor 2 alpha kinase 3; minus strand). Cytogenetic location: 2p11.2.
Variant type: single nucleotide variant.
Coding change: c.1756A>T on transcript NM_004836.7 (MANE Select); coding-DNA position 1756, A replaced by T.
Protein change: p.Ile586Leu; replaces isoleucine 586 with leucine.
Molecular consequence: missense variant.
Genome position (GRCh38, 1-based): chr2:88,583,437, T>A on the plus strand (A>T on the coding strand, the complement: EIF2AK3 is on the minus strand). VCF-style: chr2-88583437-T-A. GRCh37 (hg19) VCF-style: chr2-88882955-T-A.
Other names: c.1303A>T, p.Ile435Leu (NM_001313915.2); short protein forms I586L, I435L.
Identifiers: ClinVar variation 128983 (VCV000128983.24), dbSNP rs75385605, ClinGen allele CA152708.

ClinVar aggregate classification (germline): Benign. Review status: criteria provided, multiple submitters, no conflicts (2 of 4 stars). 7 submissions from 7 submitters: Benign (6). 1 of the submissions does not count toward it. Last evaluated 2026-02-03.

Conditions:
Monogenic diabetes. Identifiers: Orphanet 183625, MedGen C3888631, MONDO:0015967.
Wolcott-Rallison dysplasia. Also called: MED-IDDM SYNDROME; Wolcott-Rallison syndrome. Identifiers: Orphanet 1667, MedGen C0432217, MONDO:0009192, OMIM 226980.

Allele frequency attached by ClinVar (database versions not stated): gnomAD exomes 0.00246; ExAC 0.00317; gnomAD 0.00906; TOPMed 0.01019; ESP Exome Variant Server 0.01092; 1000 Genomes Project 0.01118; 1000 Genomes Project 30x 0.01218.
gnomAD v4.1: 2,819 of 1,609,122 alleles (0.18%); highest among the groups gnomAD compares: African/African-American, 3.3%; 42 homozygotes.

Submissions (7):

Labcorp Genetics (formerly Invitae), Labcorp
Classification: Benign. Last evaluated: 2026-02-03. Review status: criteria provided, single submitter. Criteria: Invitae Variant Classification Sherloc (09022015). Collection method: clinical testing. Allele origin: germline.

ARUP Laboratories, Molecular Genetics and Genomics, ARUP Laboratories
Classification: Benign for Wolcott-Rallison dysplasia. Last evaluated: 2023-11-22. Review status: criteria provided, single submitter. Criteria: ARUP Molecular Germline Variant Investigation Process 2024. Collection method: clinical testing. Allele origin: germline.

Personalized Diabetes Medicine Program, University of Maryland School of Medicine
Classification: Benign for Monogenic diabetes. Last evaluated: 2019-01-25. Review status: criteria provided, single submitter. Criteria: ACMG Guidelines, 2015. Collection method: research. Allele origin: unknown. Observed: 6 variant alleles, 6 heterozygotes.
Comment: ACMG criteria: BA1 (3.3% in gnomAD African), BS2 (14 homozygotes in gnomAD), BP4 (REVEL 0.125 + 10 predictors)=benign

Illumina Laboratory Services, Illumina
Classification: Benign for Wolcott-Rallison dysplasia. Last evaluated: 2018-01-13. Review status: criteria provided, single submitter. Criteria: ICSL Variant Classification Criteria 13 December 2019. Collection method: clinical testing. Allele origin: germline.
Comment: This variant was observed in the ICSL laboratory as part of a predisposition screen in an ostensibly healthy population. It had not been previously curated by ICSL or reported in the Human Gene Mutation Database (HGMD: prior to June 1st, 2018), and was therefore a candidate for classification through an automated scoring system. Utilizing variant allele frequency, disease prevalence and penetrance estimates, and inheritance mode, an automated score was calculated to assess if this variant is too frequent to cause the disease. Based on the score and internal cut-off values, a variant classified as benign is not then subjected to further curation. The score for this variant resulted in a classification of benign for this disease.

Center for Pediatric Genomic Medicine, Children's Mercy Hospital and Clinics
Classification: Benign. Last evaluated: 2017-01-05. Review status: criteria provided, single submitter. Criteria: ACMG Guidelines, 2015. Collection method: clinical testing. Allele origin: germline.

Breakthrough Genomics
Classification: Benign. Review status: criteria provided, single submitter. Criteria: ACMG Guidelines, 2015. Collection method: not provided. Allele origin: germline. Inheritance: Autosomal recessive inheritance. Affected: yes.

Genetic Services Laboratory, University of Chicago
Classification: Likely benign for AllHighlyPenetrant. Review status: no assertion criteria provided. Collection method: clinical testing. Allele origin: germline. Inheritance: Autosomal recessive inheritance. Not counted in ClinVar's aggregate classification.
Comment: Likely benign based on allele frequency in 1000 Genomes Project or ESP global frequency and its presence in a patient with a rare or unrelated disease phenotype. NOT Sanger confirmed.